The following is an entry in ClinVar:

ClinVar aggregate classification (germline): Uncertain significance (1 of 4 stars; one submission).

Conditions:
Inborn genetic diseases. Identifiers: MedGen C0950123, MeSH D030342.

Submission:

Ambry Genetics
Classification: Uncertain significance for Inborn genetic diseases. Last evaluated: 2026-08-24. Review status: criteria provided, single submitter. Criteria: Ambry Variant Classification Scheme 2023. Collection method: clinical testing. Allele origin: germline.
Comment: The p.C340W variant (also known as c.1020T>G), located in coding exon 8 of the FANCG gene, results from a T to G substitution at nucleotide position 1020. The cysteine at codon 340 is replaced by tryptophan, an amino acid with highly dissimilar properties. This amino acid position is conserved. In addition, the in silico prediction for this alteration is inconclusive. Based on the available evidence, the clinical significance of this variant remains unclear.

NM_004629.2(FANCG):c.1020T>G (p.Cys340Trp)

Gene: FANCG (FA complementation group G; minus strand). Cytogenetic location: 9p13.3.
Variant type: single nucleotide variant.
Coding change: c.1020T>G on transcript NM_004629.2 (MANE Select); coding-DNA position 1020, T replaced by G.
Protein change: p.Cys340Trp; replaces cysteine 340 with tryptophan.
Molecular consequence: missense variant.
Genome position (GRCh38, 1-based): chr9:35,076,488, A>C on the plus strand (T>G on the coding strand, the complement: FANCG is on the minus strand). VCF-style: chr9-35076488-A-C. GRCh37 (hg19) VCF-style: chr9-35076485-A-C.
Other names: short protein forms C340W.
Identifiers: ClinVar variation 5036537 (VCV005036537.1).